The following is an entry in ClinVar:

ClinVar aggregate classification (germline): Uncertain significance (1 of 4 stars; one submission).

Submission:

Labcorp Genetics (formerly Invitae), Labcorp
Classification: Uncertain significance. Last evaluated: 2025-12-22. Review status: criteria provided, single submitter. Criteria: Invitae Variant Classification Sherloc (09022015). Collection method: clinical testing. Allele origin: germline.
Comment: This sequence change replaces tryptophan, which is neutral and slightly polar, with arginine, which is basic and polar, at codon 369 of the POLE protein (p.Trp369Arg). This variant is not present in population databases (gnomAD no frequency). This variant has not been reported in the literature in individuals affected with POLE-related conditions. ClinVar contains an entry for this variant (Variation ID: 2820573). An algorithm developed to predict the effect of missense changes on protein structure and function (PolyPhen-2) suggests that this variant is likely to be disruptive. In summary, the available evidence is currently insufficient to determine the role of this variant in disease. Therefore, it has been classified as a Variant of Uncertain Significance.

NM_006231.4(POLE):c.1105T>A (p.Trp369Arg)

Gene: POLE (DNA polymerase epsilon, catalytic subunit; minus strand). Cytogenetic location: 12q24.33.
Variant type: single nucleotide variant.
Coding change: c.1105T>A on transcript NM_006231.4 (MANE Select); coding-DNA position 1105, T replaced by A.
Protein change: p.Trp369Arg; replaces tryptophan 369 with arginine.
Molecular consequence: missense variant.
Genome position (GRCh38, 1-based): chr12:132,675,736, A>T on the plus strand (T>A on the coding strand, the complement: POLE is on the minus strand). VCF-style: chr12-132675736-A-T. GRCh37 (hg19) VCF-style: chr12-133252322-A-T.
Other names: short protein forms W369R.
Identifiers: ClinVar variation 2820573 (VCV002820573.3), dbSNP rs2136010931, ClinGen allele CA387361312.